The following is an entry in ClinVar:

NM_006070.6(TFG):c.721+270A>G

Gene: TFG (trafficking from ER to golgi regulator; plus strand). Cytogenetic location: 3q12.2.
Variant type: single nucleotide variant.
Coding change: c.721+270A>G on transcript NM_006070.6 (MANE Select); 270 bases into the intron after coding-DNA position 721, A replaced by G.
Molecular consequence: intron variant.
Genome position (GRCh38, 1-based): chr3:100,736,986, A>G. VCF-style: chr3-100736986-A-G. GRCh37 (hg19) VCF-style: chr3-100455830-A-G.
Other names: c.721+270A>G (NM_001007565.2, NM_001195478.2); c.709+282A>G (NM_001195479.2).
Identifiers: ClinVar variation 673633 (VCV000673633.1), dbSNP rs115656907, ClinGen allele CA79704876.

ClinVar aggregate classification (germline): Benign (1 of 4 stars; one submission).

Allele frequency attached by ClinVar (database versions not stated): gnomAD 0.03002 and 0.03210; 1000 Genomes Project 0.03215; 1000 Genomes Project 30x 0.03373; TOPMed 0.03510.
gnomAD v4.1: 4,524 of 152,276 alleles (3%); highest among the groups gnomAD compares: African/African-American, 9.2%; 182 homozygotes.

Submission:

GeneDx
Classification: Benign. Last evaluated: 2018-06-16. Review status: criteria provided, single submitter. Criteria: GeneDx Variant Classification (06012015). Collection method: clinical testing. Allele origin: germline. Affected: yes.
Comment: This variant is considered likely benign or benign based on one or more of the following criteria: it is a conservative change, it occurs at a poorly conserved position in the protein, it is predicted to be benign by multiple in silico algorithms, and/or has population frequency not consistent with disease.